The following is an entry in ClinVar:

NM_032578.4(MYPN):c.2801A>G (p.His934Arg)

Gene: MYPN (myopalladin; plus strand). Cytogenetic location: 10q21.3.
Variant type: single nucleotide variant.
Coding change: c.2801A>G on transcript NM_032578.4 (MANE Select); coding-DNA position 2801, A replaced by G.
Protein change: p.His934Arg; replaces histidine 934 with arginine.
Molecular consequence: missense variant. On other transcripts: non-coding transcript variant (2).
Genome position (GRCh38, 1-based): chr10:68,189,002, A>G. VCF-style: chr10-68189002-A-G. GRCh37 (hg19) VCF-style: chr10-69948759-A-G.
Other names: c.2801A>G, p.His934Arg (NM_001256267.2); c.1919A>G, p.His640Arg (NM_001256268.2); short protein forms H934R, H640R.
Identifiers: ClinVar variation 1796224 (VCV001796224.2), dbSNP rs2495896842, ClinGen allele CA376853513.

ClinVar aggregate classification (germline): Uncertain significance (1 of 4 stars; one submission).

Conditions:
Cardiovascular phenotype. Identifiers: MedGen CN230736.

Allele frequency attached by ClinVar (database versions not stated): gnomAD exomes below 0.00001.
gnomAD v4.1: 2 of 1,614,182 alleles (0.00012%); highest among the groups gnomAD compares: African/African-American, 0.0013%; no homozygotes.

Submission:

Ambry Genetics
Classification: Uncertain significance for Cardiovascular phenotype. Last evaluated: 2022-03-12. Review status: criteria provided, single submitter. Criteria: Ambry Variant Classification Scheme 2023. Collection method: clinical testing. Allele origin: germline.
Comment: The p.H934R variant (also known as c.2801A>G), located in coding exon 12 of the MYPN gene, results from an A to G substitution at nucleotide position 2801. The histidine at codon 934 is replaced by arginine, an amino acid with highly similar properties. This amino acid position is conserved. In addition, the in silico prediction for this alteration is inconclusive. Since supporting evidence is limited at this time, the clinical significance of this alteration remains unclear.